The following is an entry in ClinVar:

NM_000059.4(BRCA2):c.5650A>G (p.Ile1884Val)

Gene: BRCA2 (BRCA2 DNA repair associated; plus strand). Cytogenetic location: 13q13.1.
Variant type: single nucleotide variant.
Coding change: c.5650A>G on transcript NM_000059.4 (MANE Select); coding-DNA position 5650, A replaced by G.
Protein change: p.Ile1884Val; replaces isoleucine 1884 with valine.
Molecular consequence: missense variant.
Genome position (GRCh38, 1-based): chr13:32,340,005, A>G. VCF-style: chr13-32340005-A-G. GRCh37 (hg19) VCF-style: chr13-32914142-A-G.
Other names: short protein forms I1884V.
Identifiers: ClinVar variation 91422 (VCV000091422.26), dbSNP rs398122538, ClinGen allele CA022846.

ClinVar aggregate classification (germline): Conflicting classifications of pathogenicity. Review status: criteria provided, conflicting classifications (1 of 4 stars). 6 submissions from 6 submitters: Uncertain significance (4); Likely benign (1). 1 of the submissions does not count toward it. Last evaluated 2025-07-21.

Conditions:
Hereditary breast ovarian cancer syndrome. Also called: Breast and ovarian cancer; Hereditary breast and ovarian cancer; Hereditary breast and ovarian cancer syndrome; BRCA1- and BRCA2-Associated Hereditary Breast and Ovarian Cancer; Hereditary breast and ovarian cancer syndrome (HBOC); Hereditary breast and/or ovarian cancer syndrome. Identifiers: Orphanet 145, MedGen C0677776, MeSH D061325, MONDO:0003582. Disease mechanism: loss of function.
Hereditary cancer-predisposing syndrome. Also called: Tumor predisposition; Hereditary Cancer Syndrome; Neoplastic Syndromes, Hereditary; Hereditary neoplastic syndrome. Identifiers: Orphanet 140162, MedGen C0027672, MeSH D009386, MONDO:0015356.
Breast-ovarian cancer, familial, susceptibility to, 2 (BROVCA2). Also called: BRCA2 Hereditary Breast and Ovarian Cancer. Identifiers: Orphanet 145, MedGen C2675520, MONDO:0012933, OMIM 612555. Disease mechanism: loss of function.

Allele frequency attached by ClinVar (database versions not stated): gnomAD exomes below 0.00001.
gnomAD v4.1: 1 of 1,612,838 alleles (0.000062%); no homozygotes.

Submissions (6):

Labcorp Genetics (formerly Invitae), Labcorp
Classification: Uncertain significance for Hereditary breast ovarian cancer syndrome. Last evaluated: 2025-07-21. Review status: criteria provided, single submitter. Criteria: Invitae Variant Classification Sherloc (09022015). Collection method: clinical testing. Allele origin: germline.
Comment: This sequence change replaces isoleucine, which is neutral and non-polar, with valine, which is neutral and non-polar, at codon 1884 of the BRCA2 protein (p.Ile1884Val). This variant is not present in population databases (gnomAD no frequency). This variant has not been reported in the literature in individuals affected with BRCA2-related conditions. ClinVar contains an entry for this variant (Variation ID: 91422). Invitae Evidence Modeling of protein sequence and biophysical properties (such as structural, functional, and spatial information, amino acid conservation, physicochemical variation, residue mobility, and thermodynamic stability) indicates that this missense variant is not expected to disrupt BRCA2 protein function with a negative predictive value of 95%. In summary, the available evidence is currently insufficient to determine the role of this variant in disease. Therefore, it has been classified as a Variant of Uncertain Significance.

Ambry Genetics
Classification: Uncertain significance for Hereditary cancer-predisposing syndrome. Last evaluated: 2025-01-19. Review status: criteria provided, single submitter. Criteria: Ambry Variant Classification Scheme 2023. Collection method: clinical testing. Allele origin: germline.
Comment: The p.I1884V variant (also known as c.5650A>G), located in coding exon 10 of the BRCA2 gene, results from an A to G substitution at nucleotide position 5650. The isoleucine at codon 1884 is replaced by valine, an amino acid with highly similar properties. This amino acid position is poorly conserved in available vertebrate species. In addition, this alteration is predicted to be tolerated by in silico analysis. Since supporting evidence is limited at this time, the clinical significance of this alteration remains unclear.

All of Us Research Program, National Institutes of Health
Classification: Uncertain significance for Breast-ovarian cancer, familial, susceptibility to, 2. Last evaluated: 2023-04-03. Review status: criteria provided, single submitter. Criteria: ACMG Guidelines, 2015. Collection method: clinical testing. Allele origin: germline. Inheritance: Autosomal dominant inheritance. Observed: 1 variant allele, 1 heterozygote.
Comment: This missense variant replaces isoleucine with valine at codon 1884 of the BRCA2 protein. Computational prediction suggests that this variant may not impact protein structure and function (internally defined REVEL score threshold <= 0.5, PMID: 27666373). To our knowledge, functional studies have not been reported for this variant. This variant has not been reported in individuals affected with BRCA2-related disorders in the literature. This variant has not been identified in the general population by the Genome Aggregation Database (gnomAD). The available evidence is insufficient to determine the role of this variant in disease conclusively. Therefore, this variant is classified as a Variant of Uncertain Significance.

This study involves interpretation of variants in research participants for the purpose of population health screening. Participant phenotype was not available at the time of variant classification. Additional details can be found in publication PMID: 35346344, PMCID: PMC8962531

University of Washington Department of Laboratory Medicine, University of Washington
Classification: Likely benign for Hereditary cancer-predisposing syndrome. Last evaluated: 2023-03-23. Review status: criteria provided, single submitter. Criteria: Dines et al. (Genet Med. 2020). Collection method: curation. Allele origin: germline.
Comment: Missense variant in a coldspot region where missense variants are very unlikely to be pathogenic (PMID:31911673).

BRCA2 exon 11 coldspot. Reclassification based on statistical prior probability.

Color Diagnostics, LLC DBA Color Health
Classification: Uncertain significance for Hereditary cancer-predisposing syndrome. Last evaluated: 2023-02-01. Review status: criteria provided, single submitter. Criteria: ACMG Guidelines, 2015. Collection method: clinical testing. Allele origin: germline.
Comment: This missense variant replaces isoleucine with valine at codon 1884 of the BRCA2 protein. Computational prediction suggests that this variant may not impact protein structure and function (internally defined REVEL score threshold <= 0.5, PMID: 27666373). To our knowledge, functional studies have not been reported for this variant. This variant has not been reported in individuals affected with BRCA2-related disorders in the literature. This variant has not been identified in the general population by the Genome Aggregation Database (gnomAD). The available evidence is insufficient to determine the role of this variant in disease conclusively. Therefore, this variant is classified as a Variant of Uncertain Significance.

Sharing Clinical Reports Project (SCRP)
Classification: Uncertain significance for Breast-ovarian cancer, familial 2. Last evaluated: 2006-08-25. Review status: no assertion criteria provided. Collection method: clinical testing. Allele origin: germline. Not counted in ClinVar's aggregate classification.